The following is an entry in ClinVar:

ClinVar aggregate classification (germline): Likely benign (0 of 4 stars; one submission).

Conditions:
PRR12-related disorder. Also called: PRR12-related condition.

Allele frequency attached by ClinVar (database versions not stated): ExAC 0.00004; gnomAD 0.00007; gnomAD exomes 0.00008; TOPMed 0.00008.
gnomAD v4.1: 123 of 1,601,594 alleles (0.0077%); highest among the groups gnomAD compares: Non-Finnish European, 0.01%; no homozygotes.

Submission:

PreventionGenetics, part of Exact Sciences
Classification: Likely benign for PRR12-related condition. Last evaluated: 2022-12-28. Review status: no assertion criteria provided. Collection method: clinical testing. Allele origin: germline.
Comment: This variant is classified as likely benign based on ACMG/AMP sequence variant interpretation guidelines (Richards et al. 2015 PMID: 25741868, with internal and published modifications).

NM_020719.3(PRR12):c.1737A>G (p.Gly579=)

Gene: PRR12 (proline rich 12; plus strand). Cytogenetic location: 19q13.33.
Variant type: single nucleotide variant.
Coding change: c.1737A>G on transcript NM_020719.3 (MANE Select); coding-DNA position 1737, A replaced by G.
Protein change: p.Gly579=; no amino-acid change (glycine 579 retained).
Molecular consequence: synonymous variant.
Genome position (GRCh38, 1-based): chr19:49,596,072, A>G. VCF-style: chr19-49596072-A-G. GRCh37 (hg19) VCF-style: chr19-50099329-A-G.
Identifiers: ClinVar variation 3029010 (VCV003029010.2), dbSNP rs748776554, ClinGen allele CA9577929.